The following is an entry in ClinVar:

ClinVar aggregate classification (germline): Conflicting classifications of pathogenicity. Review status: criteria provided, conflicting classifications (1 of 4 stars). 2 submissions from 2 submitters: Likely pathogenic (1); Uncertain significance (1). Last evaluated 2023-08-23.

Conditions:
RASA1-related disorder. Also called: RASA1-related condition.
Capillary malformation-arteriovenous malformation syndrome. Also called: Capillary malformation-arteriovenous malformation. Identifiers: Orphanet 137667, MedGen C1842180, MONDO:0012016.

Allele frequency attached by ClinVar (database versions not stated): gnomAD exomes below 0.00001.
gnomAD v4.1: 1 of 1,605,516 alleles (0.000062%); highest among the groups gnomAD compares: Non-Finnish European, 0.000085%; no homozygotes.

Submissions (2):

Labcorp Genetics (formerly Invitae), Labcorp
Classification: Uncertain significance for Capillary malformation-arteriovenous malformation syndrome. Last evaluated: 2023-08-23. Review status: criteria provided, single submitter. Criteria: Invitae Variant Classification Sherloc (09022015). Collection method: clinical testing. Allele origin: germline.
Comment: ClinVar contains an entry for this variant (Variation ID: 939405). This variant has been observed in individual(s) with capillary malformations (Invitae). It has also been observed to segregate with disease in related individuals. This variant is not present in population databases (gnomAD no frequency). This sequence change falls in intron 2 of the RASA1 gene. It does not directly change the encoded amino acid sequence of the RASA1 protein. Algorithms developed to predict the effect of sequence changes on RNA splicing suggest that this variant may disrupt the consensus splice site. In summary, the available evidence is currently insufficient to determine the role of this variant in disease. Therefore, it has been classified as a Variant of Uncertain Significance.

Blueprint Genetics
Classification: Likely pathogenic for RASA1-related disorders. Last evaluated: 2023-05-12. Review status: criteria provided, single submitter. Criteria: ACMG Guidelines, 2015. Collection method: clinical testing. Allele origin: germline. Affected: yes. Observed: 1 variant allele.

NM_002890.3(RASA1):c.693-5A>G

Genes: CCNH (cyclin H; minus strand), RASA1 (RAS p21 protein activator 1; plus strand). Cytogenetic location: 5q14.3.
Variant type: single nucleotide variant.
Coding change: c.693-5A>G on transcript NM_002890.3 (MANE Select); 5 bases into the intron before coding-DNA position 693, A replaced by G.
Molecular consequence: intron variant.
Genome position (GRCh38, 1-based): chr5:87,332,502, A>G. VCF-style: chr5-87332502-A-G. GRCh37 (hg19) VCF-style: chr5-86628319-A-G.
Other names: c.162-5A>G (NM_022650.3); c.934-19707T>C (NM_001364075.2).
Identifiers: ClinVar variation 939405 (VCV000939405.11), dbSNP rs1757676959, ClinGen allele CA1139658941.